The following is an entry in ClinVar:

NM_000553.6(WRN):c.2752G>A (p.Glu918Lys)

Gene: WRN (WRN RecQ like helicase; plus strand). Cytogenetic location: 8p12.
Variant type: single nucleotide variant.
Coding change: c.2752G>A on transcript NM_000553.6 (MANE Select); coding-DNA position 2752, G replaced by A.
Protein change: p.Glu918Lys; replaces glutamic acid 918 with lysine.
Molecular consequence: missense variant.
Genome position (GRCh38, 1-based): chr8:31,124,927, G>A. VCF-style: chr8-31124927-G-A. GRCh37 (hg19) VCF-style: chr8-30982443-G-A.
Other names: short protein forms E918K.
Identifiers: ClinVar variation 2012286 (VCV002012286.4), dbSNP rs2535995973, ClinGen allele CA370917610.

ClinVar aggregate classification (germline): Uncertain significance (1 of 4 stars; one submission).

Conditions:
Werner syndrome (WRN). Identifiers: Orphanet 902, MedGen C0043119, MONDO:0010196, OMIM 277700.

Submission:

Labcorp Genetics (formerly Invitae), Labcorp
Classification: Uncertain significance for Werner syndrome. Last evaluated: 2022-06-29. Review status: criteria provided, single submitter. Criteria: Invitae Variant Classification Sherloc (09022015). Collection method: clinical testing. Allele origin: germline.
Comment: In summary, the available evidence is currently insufficient to determine the role of this variant in disease. Therefore, it has been classified as a Variant of Uncertain Significance. Algorithms developed to predict the effect of sequence changes on RNA splicing suggest that this variant may disrupt the consensus splice site. Algorithms developed to predict the effect of missense changes on protein structure and function are either unavailable or do not agree on the potential impact of this missense change (SIFT: "Not Available"; PolyPhen-2: "Probably Damaging"; Align-GVGD: "Not Available"). This variant has not been reported in the literature in individuals affected with WRN-related conditions. This variant is not present in population databases (gnomAD no frequency). This sequence change replaces glutamic acid, which is acidic and polar, with lysine, which is basic and polar, at codon 918 of the WRN protein (p.Glu918Lys).